The following is an entry in ClinVar:

NM_020041.3(SLC2A9):c.1287del (p.Pro430fs)

Gene: SLC2A9 (solute carrier family 2 member 9; minus strand). Cytogenetic location: 4p16.1.
Variant type: Deletion.
Coding change: c.1287del on transcript NM_020041.3 (MANE Select); coding-DNA position 1287, one base deleted (G; older notation c.1287delG).
Protein change: p.Pro430fs; shifts the reading frame from proline 430.
Molecular consequence: frameshift variant.
Genome position (GRCh38, 1-based): chr4:9,887,571, C deleted on the plus strand (G on the coding strand, the reverse complement: SLC2A9 is on the minus strand); the first of 3 consecutive C bases (chr4:9,887,571-9,887,573); deleting any one gives the same sequence. VCF-style (leftmost placement, unchanged base first): chr4-9887570-GC-G. GRCh37 (hg19) VCF-style: chr4-9889194-GC-G.
Other names: c.1200del, p.Pro401fs (NM_001001290.2); short protein forms P430fs, P401fs.
Identifiers: ClinVar variation 2810823 (VCV002810823.3), dbSNP rs2546254135, ClinGen allele CA2670001052.

ClinVar aggregate classification (germline): Pathogenic (1 of 4 stars; one submission).

Submission:

Labcorp Genetics (formerly Invitae), Labcorp
Classification: Pathogenic. Last evaluated: 2025-09-08. Review status: criteria provided, single submitter. Criteria: Invitae Variant Classification Sherloc (09022015). Collection method: clinical testing. Allele origin: germline.
Comment: This sequence change creates a premature translational stop signal (p.Pro430Glnfs*8) in the SLC2A9 gene. It is expected to result in an absent or disrupted protein product. Loss-of-function variants in SLC2A9 are known to be pathogenic (PMID: 19926891, 21256783, 21536615, 24628802). This variant is not present in population databases (gnomAD no frequency). This variant has not been reported in the literature in individuals affected with SLC2A9-related conditions. ClinVar contains an entry for this variant (Variation ID: 2810823). For these reasons, this variant has been classified as Pathogenic.

Literature cited by the submitters: PubMed 19926891; PubMed 21256783; PubMed 21536615; PubMed 24628802.